The following is an entry in ClinVar:

ClinVar aggregate classification (germline): Benign. Review status: reviewed by expert panel (3 of 4 stars). 6 submissions from 6 submitters: Benign (1). 5 of the submissions do not count toward it. Last evaluated 2017-04-18.

Conditions:
Cardiovascular phenotype. Identifiers: MedGen CN230736.
RASopathy. Also called: Noonan spectrum disorder; rasopathies. Identifiers: Orphanet 536391, MedGen C5555857, MONDO:0021060.

Allele frequency attached by ClinVar (database versions not stated): gnomAD 0.00015 and 0.00014; 1000 Genomes Project 0.00120; gnomAD exomes 0.00008; ExAC 0.00012; TOPMed 0.00016; ESP Exome Variant Server 0.00023; 1000 Genomes Project 30x 0.00109.
gnomAD v4.1: 83 of 1,614,114 alleles (0.0051%); highest among the groups gnomAD compares: African/African-American, 0.065%; no homozygotes.

Submissions (6):

ClinGen RASopathy Variant Curation Expert Panel
Classification: Benign for Noonan syndrome and Noonan-related syndrome. Last evaluated: 2017-04-18. Review status: reviewed by expert panel. Criteria: ClinGen RASopathy ACMG Specifications v1. Collection method: curation. Allele origin: germline. Inheritance: Autosomal dominant inheritance.
Comment: The filtering allele frequency of the c.1587G>A (p.Ser529=) variant in the RAF1 gene is 0.052% (10/10402) of African chromosomes by the Exome Aggregation Consortium, which is a high enough frequency to be classified as benign based on thresholds defined by the ClinGen RASopathy Expert Panel (BA1; PMID:29493581)

Labcorp Genetics (formerly Invitae), Labcorp
Classification: Benign for RASopathy. Last evaluated: 2026-01-15. Review status: criteria provided, single submitter. Criteria: Invitae Variant Classification Sherloc (09022015). Collection method: clinical testing. Allele origin: germline. Not counted in ClinVar's aggregate classification.

Molecular Diagnostic Laboratory for Inherited Cardiovascular Disease, Montreal Heart Institute
Classification: Benign. Last evaluated: 2025-04-09. Review status: criteria provided, single submitter. Criteria: ACMG Guidelines, 2015. Collection method: clinical testing. Allele origin: germline. Affected: no. Not counted in ClinVar's aggregate classification.

Women's Health and Genetics/Laboratory Corporation of America, LabCorp
Classification: Benign. Last evaluated: 2019-05-06. Review status: criteria provided, single submitter. Criteria: LabCorp Variant Classification Summary - May 2015. Collection method: clinical testing. Allele origin: germline. Not counted in ClinVar's aggregate classification.
Comment: Variant summary: RAF1 c.1587G>A alters a non-conserved nucleotide resulting in a synonymous change. 5/5 computational tools predict no significant impact on normal splicing. However, these predictions have yet to be confirmed by functional studies. The variant allele was found at a frequency of 7.6e-05 in 251432 control chromosomes, predominantly at a frequency of 0.00086 within the African or African-American subpopulation in the gnomAD database. The observed variant frequency within African or African-American control individuals in the gnomAD database is approximately 34 fold of the estimated maximal expected allele frequency for a pathogenic variant in RAF1 causing Noonan Syndrome and Related Conditions phenotype (2.5e-05), strongly suggesting that the variant is a benign polymorphism found primarily in populations of African or African-American origin. To our knowledge, no occurrence of c.1587G>A in individuals affected with Noonan Syndrome and Related Conditions and no experimental evidence demonstrating its impact on protein function have been reported. Two submitters including one expert panel have provided clinical-significance assessments for this variant to ClinVar after 2014 without evidence for independent evaluation and classified the variant as benign. Based on the evidence outlined above, the variant was classified as benign.

Ambry Genetics
Classification: Likely benign for Cardiovascular phenotype. Last evaluated: 2018-12-24. Review status: criteria provided, single submitter. Criteria: Ambry Variant Classification Scheme 2023. Collection method: clinical testing. Allele origin: germline. Not counted in ClinVar's aggregate classification.

GeneDx
Classification: Benign. Last evaluated: 2015-03-03. Review status: criteria provided, single submitter. Criteria: GeneDx Variant Classification Process June 2021. Collection method: clinical testing. Allele origin: germline. Affected: yes. Not counted in ClinVar's aggregate classification.

NM_002880.4(RAF1):c.1587G>A (p.Ser529=)

Gene: RAF1 (Raf-1 proto-oncogene, serine/threonine kinase; minus strand). Cytogenetic location: 3p25.2.
Variant type: single nucleotide variant.
Coding change: c.1587G>A on transcript NM_002880.4 (MANE Select); coding-DNA position 1587, G replaced by A.
Protein change: p.Ser529=; no amino-acid change (serine 529 retained).
Molecular consequence: synonymous variant. On other transcripts: non-coding transcript variant (3).
Genome position (GRCh38, 1-based): chr3:12,585,203, C>T on the plus strand (G>A on the coding strand, the complement: RAF1 is on the minus strand). VCF-style: chr3-12585203-C-T. GRCh37 (hg19) VCF-style: chr3-12626702-C-T.
Other names: p.S529S; NM_002880.3(RAF1):c.1587G>A; c.1647G>A, p.Ser549= (NM_001354689.3); c.1587G>A, p.Ser529= (NM_001354690.3); c.1344G>A, p.Ser448= (NM_001354691.3, NM_001354692.3); c.1488G>A, p.Ser496= (NM_001354693.3); c.1404G>A, p.Ser468= (NM_001354694.3); c.1245G>A, p.Ser415= (NM_001354695.3).
Identifiers: ClinVar variation 40620 (VCV000040620.17), dbSNP rs114687276, ClinGen allele CA2259466.